The following is an entry in ClinVar:

NM_000548.5(TSC2):c.4663-7C>T

Gene: TSC2 (TSC complex subunit 2; plus strand). Cytogenetic location: 16p13.3.
Variant type: single nucleotide variant.
Coding change: c.4663-7C>T on transcript NM_000548.5 (MANE Select); 7 bases into the intron before coding-DNA position 4663, C replaced by T.
Molecular consequence: intron variant.
Genome position (GRCh38, 1-based): chr16:2,086,186, C>T. VCF-style: chr16-2086186-C-T. GRCh37 (hg19) VCF-style: chr16-2136187-C-T.
Other names: c.4663-7C>T (NM_000548.4); c.4594-7C>T (NM_001114382.3); c.4534-7C>T (NM_021055.3, NM_001370405.1); c.4465-7C>T (NM_001363528.2); c.4531-7C>T (NM_001370404.1); c.4462-7C>T (NM_001077183.3); c.4354-7C>T (NM_001318827.2); c.3931-7C>T (NM_001318831.2); and 2 more.
Identifiers: ClinVar variation 413728 (VCV000413728.14), dbSNP rs778646938, ClinGen allele CA052239.

ClinVar aggregate classification (germline): Benign/Likely benign. Review status: criteria provided, multiple submitters, no conflicts (2 of 4 stars). 5 submissions from 5 submitters: Benign (3); Likely benign (2). Last evaluated 2025-12-15.

Conditions:
Tuberous sclerosis syndrome (TSC). Also called: Tuberous Sclerosis Complex; Tuberous sclerosis. Identifiers: Orphanet 805, MedGen C0041341, MONDO:0001734.
Tuberous sclerosis 2 (TSC2). Identifiers: Orphanet 805, MedGen C1860707, MONDO:0013199, OMIM 613254.

Allele frequency attached by ClinVar (database versions not stated): gnomAD below 0.00001 and 0.00001; TOPMed below 0.00001; gnomAD exomes 0.00003 and 0.00005; ExAC 0.00007.
gnomAD v4.1: 43 of 1,612,372 alleles (0.0027%); highest among the groups gnomAD compares: South Asian, 0.042%; 1 homozygote.

Submissions (5):

Labcorp Genetics (formerly Invitae), Labcorp
Classification: Benign for Tuberous sclerosis 2. Last evaluated: 2025-12-15. Review status: criteria provided, single submitter. Criteria: Invitae Variant Classification Sherloc (09022015). Collection method: clinical testing. Allele origin: germline.

Color Diagnostics, LLC DBA Color Health
Classification: Likely benign for Tuberous sclerosis syndrome. Last evaluated: 2025-06-12. Review status: criteria provided, single submitter. Criteria: ACMG Guidelines, 2015. Collection method: clinical testing. Allele origin: germline.

KCCC/NGS Laboratory, Kuwait Cancer Control Center
Classification: Benign for Tuberous sclerosis 2. Last evaluated: 2025-02-01. Review status: criteria provided, single submitter. Criteria: ACMG Guidelines, 2015. Collection method: clinical testing. Allele origin: germline. Affected: no.

Myriad Genetics, Inc.
Classification: Benign for Tuberous sclerosis 2. Last evaluated: 2024-09-09. Review status: criteria provided, single submitter. Criteria: Myriad Autosomal Dominant, Autosomal Recessive and X-Linked Classification Criteria (2023). Collection method: clinical testing. Allele origin: unknown.
Comment: This variant is considered benign. This variant is intronic and is not expected to impact mRNA splicing. This variant has been observed at a population frequency that is significantly greater than expected given the associated disease prevalence and penetrance.

Blueprint Genetics
Classification: Likely benign. Last evaluated: 2023-12-13. Review status: criteria provided, single submitter. Criteria: ACMG Guidelines, 2015. Collection method: clinical testing. Allele origin: germline.